The following is an entry in ClinVar:

NM_001040616.3(LINS1):c.1222+21del

Gene: LINS1 (lines homolog 1; minus strand). Cytogenetic location: 15q26.3.
Variant type: Deletion.
Coding change: c.1222+21del on transcript NM_001040616.3 (MANE Select); 21 bases into the intron after coding-DNA position 1222, one base deleted (T; older notation c.1222+21delT).
Molecular consequence: intron variant.
Genome position (GRCh38, 1-based): chr15:100,573,630, A deleted on the plus strand (T on the coding strand, the reverse complement: LINS1 is on the minus strand); the first of 4 consecutive A bases (chr15:100,573,630-100,573,633); deleting any one gives the same sequence. VCF-style (leftmost placement, unchanged base first): chr15-100573629-CA-C. GRCh37 (hg19) VCF-style: chr15-101113834-CA-C.
Other names: c.1177+21del (NM_001352508.2); c.475+21del (NM_001352507.2).
Identifiers: ClinVar variation 2645747 (VCV002645747.24), dbSNP rs529994652, ClinGen allele CA7759501.

ClinVar aggregate classification (germline): Likely benign (1 of 4 stars; one submission).

Submission:

CeGaT Center for Human Genetics Tuebingen
Classification: Likely benign. Last evaluated: 2022-11-01. Review status: criteria provided, single submitter. Criteria: CeGaT Center For Human Genetics Tuebingen Variant Classification Criteria Version 2. Collection method: clinical testing. Allele origin: germline. Affected: yes. Observed: 2 variant alleles.
Comment: LINS1: BS1